The following is an entry in ClinVar:

NM_000051.4(ATM):c.4274A>G (p.Gln1425Arg)

Gene: ATM (ATM serine/threonine kinase; plus strand). Cytogenetic location: 11q22.3.
Variant type: single nucleotide variant.
Coding change: c.4274A>G on transcript NM_000051.4 (MANE Select); coding-DNA position 4274, A replaced by G.
Protein change: p.Gln1425Arg; replaces glutamine 1425 with arginine.
Molecular consequence: missense variant.
Genome position (GRCh38, 1-based): chr11:108,289,639, A>G. VCF-style: chr11-108289639-A-G. GRCh37 (hg19) VCF-style: chr11-108160366-A-G.
Other names: c.4274A>G, p.Gln1425Arg (NM_001351834.2); short protein forms Q1425R.
Identifiers: ClinVar variation 1025099 (VCV001025099.8), dbSNP rs2082671727, ClinGen allele CA382531301.

ClinVar aggregate classification (germline): Uncertain significance (1 of 4 stars; one submission).

Conditions:
Ataxia-telangiectasia syndrome (AT). Also called: ATAXIA-TELANGIECTASIA, FRESNO VARIANT; Ataxia-telangiectasia, complementation group D; AT, COMPLEMENTATION GROUP C; Cerebello-oculocutaneous telangiectasia; Immunodeficiency with ataxia telangiectasia; Ataxia telangiectasia (A-T). Identifiers: Orphanet 100, MedGen C0004135, MONDO:0008840, OMIM 208900.

Submission:

Labcorp Genetics (formerly Invitae), Labcorp
Classification: Uncertain significance for Ataxia-telangiectasia syndrome. Last evaluated: 2020-03-25. Review status: criteria provided, single submitter. Criteria: Invitae Variant Classification Sherloc (09022015). Collection method: clinical testing. Allele origin: germline.
Comment: In summary, the available evidence is currently insufficient to determine the role of this variant in disease. Therefore, it has been classified as a Variant of Uncertain Significance. Algorithms developed to predict the effect of missense changes on protein structure and function (SIFT, PolyPhen-2, Align-GVGD) all suggest that this variant is likely to be tolerated, but these predictions have not been confirmed by published functional studies and their clinical significance is uncertain. This variant has not been reported in the literature in individuals with ATM-related conditions. This variant is not present in population databases (ExAC no frequency). This sequence change replaces glutamine with arginine at codon 1425 of the ATM protein (p.Gln1425Arg). The glutamine residue is weakly conserved and there is a small physicochemical difference between glutamine and arginine.